The following is an entry in ClinVar:

ClinVar aggregate classification (germline): Pathogenic (1 of 4 stars; one submission).

Allele frequency attached by ClinVar (database versions not stated): gnomAD exomes below 0.00001.
gnomAD v4.1: 1 of 1,614,194 alleles (0.000062%); highest among the groups gnomAD compares: Non-Finnish European, 0.000085%; no homozygotes.

Submission:

CeGaT Center for Human Genetics Tuebingen
Classification: Pathogenic. Last evaluated: 2023-05-01. Review status: criteria provided, single submitter. Criteria: CeGaT Center For Human Genetics Tuebingen Variant Classification Criteria Version 2. Collection method: clinical testing. Allele origin: germline. Affected: yes. Observed: 2 variant alleles.
Comment: ZNF142: PVS1, PM2

NM_001379659.1(ZNF142):c.4334T>A (p.Leu1445Ter)

Gene: ZNF142 (zinc finger protein 142; minus strand). Cytogenetic location: 2q35.
Variant type: single nucleotide variant.
Coding change: c.4334T>A on transcript NM_001379659.1 (MANE Select); coding-DNA position 4334, T replaced by A.
Protein change: p.Leu1445Ter; replaces leucine 1445 with a stop codon.
Molecular consequence: nonsense.
Genome position (GRCh38, 1-based): chr2:218,642,782, A>T on the plus strand (T>A on the coding strand, the complement: ZNF142 is on the minus strand). VCF-style: chr2-218642782-A-T. GRCh37 (hg19) VCF-style: chr2-219507505-A-T.
Other names: c.3734T>A, p.Leu1245Ter (NM_001105537.5, NM_001366291.3, NM_001379662.1); c.3245T>A, p.Leu1082Ter (NM_001366287.3, NM_001366288.3, NM_001366289.3); c.4334T>A, p.Leu1445Ter (NM_001366290.3, NM_001379660.1, NM_001379661.1); short protein forms L1082*, L1245*, L1445*.
Identifiers: ClinVar variation 2571118 (VCV002571118.27), dbSNP rs2469664653, ClinGen allele CA350583946.